The following is an entry in ClinVar:

ClinVar aggregate classification (germline): Uncertain significance (1 of 4 stars; one submission).

Allele frequency attached by ClinVar (database versions not stated): TOPMed below 0.00001; gnomAD 0.00001.
gnomAD v4.1: 2 of 1,613,926 alleles (0.00012%); highest among the groups gnomAD compares: African/African-American, 0.0027%; no homozygotes.

Submission:

GeneDx
Classification: Uncertain significance. Last evaluated: 2023-03-16. Review status: criteria provided, single submitter. Criteria: GeneDx Variant Classification Process June 2021. Collection method: clinical testing. Allele origin: germline. Affected: yes.
Comment: Not observed at significant frequency in large population cohorts (gnomAD); In silico analysis supports that this missense variant has a deleterious effect on protein structure/function; Has not been previously published as pathogenic or benign to our knowledge

NM_001020658.2(PUM1):c.58C>T (p.Pro20Ser)

Gene: PUM1 (pumilio RNA binding family member 1; minus strand). Cytogenetic location: 1p35.2.
Variant type: single nucleotide variant.
Coding change: c.58C>T on transcript NM_001020658.2 (MANE Select); coding-DNA position 58, C replaced by T.
Protein change: p.Pro20Ser; replaces proline 20 with serine.
Molecular consequence: missense variant.
Genome position (GRCh38, 1-based): chr1:31,059,509, G>A on the plus strand (C>T on the coding strand, the complement: PUM1 is on the minus strand). VCF-style: chr1-31059509-G-A. GRCh37 (hg19) VCF-style: chr1-31532356-G-A.
Other names: c.58C>T, p.Pro20Ser (NM_014676.3); short protein forms P20S.
Identifiers: ClinVar variation 2579913 (VCV002579913.1), dbSNP rs1218121060, ClinGen allele CA339572980.